The following is an entry in ClinVar:

ClinVar aggregate classification (germline): Uncertain significance (1 of 4 stars; one submission).

Conditions:
Familial cancer of breast. Also called: hereditary breast carcinoma; BREAST CANCER, FAMILIAL; Hereditary breast cancer. Identifiers: Orphanet 227535, MedGen C0346153, MONDO:0016419, OMIM 114480. Disease mechanism: loss of function.

Submission:

Labcorp Genetics (formerly Invitae), Labcorp
Classification: Uncertain significance for Familial cancer of breast. Last evaluated: 2023-10-23. Review status: criteria provided, single submitter. Criteria: Invitae Variant Classification Sherloc (09022015). Collection method: clinical testing. Allele origin: germline.
Comment: This sequence change replaces proline, which is neutral and non-polar, with threonine, which is neutral and polar, at codon 392 of the BARD1 protein (p.Pro392Thr). This variant is not present in population databases (gnomAD no frequency). This variant has not been reported in the literature in individuals affected with BARD1-related conditions. ClinVar contains an entry for this variant (Variation ID: 1477124). An algorithm developed to predict the effect of missense changes on protein structure and function (PolyPhen-2) suggests that this variant is likely to be disruptive. In summary, the available evidence is currently insufficient to determine the role of this variant in disease. Therefore, it has been classified as a Variant of Uncertain Significance.

NM_000465.4(BARD1):c.1174C>A (p.Pro392Thr)

Gene: BARD1 (BRCA1 associated RING domain 1; minus strand). Cytogenetic location: 2q35.
Variant type: single nucleotide variant.
Coding change: c.1174C>A on transcript NM_000465.4 (MANE Select); coding-DNA position 1174, C replaced by A.
Protein change: p.Pro392Thr; replaces proline 392 with threonine.
Molecular consequence: missense variant. On other transcripts: non-coding transcript variant (2), intron variant (3).
Genome position (GRCh38, 1-based): chr2:214,780,700, G>T on the plus strand (C>A on the coding strand, the complement: BARD1 is on the minus strand). VCF-style: chr2-214780700-G-T. GRCh37 (hg19) VCF-style: chr2-215645424-G-T.
Other names: c.1117C>A, p.Pro373Thr (NM_001282543.2); c.159-28145C>A (NM_001282548.2); c.215+16361C>A (NM_001282545.2); c.364+11597C>A (NM_001282549.2); short protein forms P373T, P392T.
Identifiers: ClinVar variation 1477124 (VCV001477124.9), dbSNP rs2106108303, ClinGen allele CA350453867.
Genomic context (GRCh38, chr2:214,780,700, plus strand): 5'-AGGGACTAGACATCACTCGCCTGTAACTTGAACTACTTAATGTAGAAGGTGGTGTACCTG[G>T]TGAAAGACTAATGAATTCATCGGACATGTTACTGTTTTTCCTCCCTGATGTACCACCAAC-3'
Protein context (NP_000456.2, residues 382-402): NMSDEFISLS[Pro392Thr]GTPPSTLSSS